The following is an entry in ClinVar:

NM_000202.8(IDS):c.1294_1298dup (p.Arg433fs)

Gene: IDS (iduronate 2-sulfatase; minus strand). Cytogenetic location: Xq28.
Variant type: Duplication.
Coding change: c.1294_1298dup on transcript NM_000202.8 (MANE Select); coding-DNA positions 1294 to 1298, 5 bases duplicated (TGCAG; older notation c.1294_1298dupTGCAG).
Protein change: p.Arg433fs; shifts the reading frame from arginine 433.
Molecular consequence: frameshift variant.
Genome position (GRCh38, 1-based): chrX:149,483,101-149,483,105, CTGCA duplicated on the plus strand (TGCAG on the coding strand, the reverse complement: IDS is on the minus strand); duplicating any 5 consecutive bases within chrX:149,483,101-149,483,106 gives the same sequence; the c. name uses the placement nearest the transcript's 3' end. VCF-style (leftmost placement, unchanged base first): chrX-149483100-T-TCTGCA. GRCh37 (hg19) VCF-style: chrX-148564631-T-TCTGCA.
Other names: c.1024_1028dup, p.Arg343fs (NM_001166550.4); short protein forms R343fs, R433fs.
Identifiers: ClinVar variation 3256018 (VCV003256018.2).

ClinVar aggregate classification (germline): Pathogenic (1 of 4 stars; one submission).

Conditions:
Mucopolysaccharidosis, MPS-II (MPS2). Also called: Hunter Syndrome; IDURONATE 2-SULFATASE DEFICIENCY; Mucopolysaccharidosis Type II; Mucopolysaccharidosis type 2; Attenuated MPS (subtype; formerly known as mild MPS II); Severe MPS II. Identifiers: Orphanet 580, Orphanet 79388, MedGen C0026705, MONDO:0010674, OMIM 309900.

Submission:

Laboratory of Diagnosis and Therapy of Lysosomal Disorders, University of Padova
Classification: Pathogenic for Mucopolysaccharidosis, MPS-II. Last evaluated: 2024-06-07. Review status: criteria provided, single submitter. Criteria: ACMG Guidelines, 2015. Collection method: literature only. Allele origin: germline. Affected: yes. Observed: 1 variant allele.
Comment: Null variant (PVS1_Strong), Absent from controls (or at low frequency) in gnomAD database (PM2_Moderate), Patient’s phenotype or family history highly specific for the disease (PP4_Strong)

Classification method: ACMG Guidelines [PMID:25741868] with modifications

Literature cited by the submitters: PubMed 22976768.